The following is an entry in ClinVar:

NM_005751.5(AKAP9):c.8404G>T (p.Ala2802Ser)

Gene: AKAP9 (A-kinase anchoring protein 9; plus strand). Cytogenetic location: 7q21.2.
Variant type: single nucleotide variant.
Coding change: c.8404G>T on transcript NM_005751.5 (MANE Select); coding-DNA position 8404, G replaced by T.
Protein change: p.Ala2802Ser; replaces alanine 2802 with serine.
Molecular consequence: missense variant.
Genome position (GRCh38, 1-based): chr7:92,083,413, G>T. VCF-style: chr7-92083413-G-T. GRCh37 (hg19) VCF-style: chr7-91712727-G-T.
Other names: c.3049G>T, p.Ala1017Ser (NM_001379277.1); c.8380G>T, p.Ala2794Ser (NM_147185.3); c.8404G>T (NM_005751.4); short protein forms A1017S, A2794S, A2802S.
Identifiers: ClinVar variation 1463146 (VCV001463146.8), dbSNP rs1469597087, ClinGen allele CA368138815.

ClinVar aggregate classification (germline): Uncertain significance. Review status: criteria provided, multiple submitters, no conflicts (2 of 4 stars). 2 submissions from 2 submitters: Uncertain significance (2). Last evaluated 2025-10-18.

Conditions:
Cardiovascular phenotype. Identifiers: MedGen CN230736.
Long QT syndrome (LQTS). Identifiers: MedGen C0023976, MeSH D008133, MONDO:0002442. Disease mechanism: loss of function. Inheritance: Various modes of inheritance.

Allele frequency attached by ClinVar (database versions not stated): gnomAD 0.00001; gnomAD exomes 0.00001; TOPMed 0.00002.
gnomAD v4.1: 20 of 1,613,894 alleles (0.0012%); highest among the groups gnomAD compares: East Asian, 0.0022%; no homozygotes.

Submissions (2):

Ambry Genetics
Classification: Uncertain significance for Cardiovascular phenotype. Last evaluated: 2025-10-18. Review status: criteria provided, single submitter. Criteria: Ambry Variant Classification Scheme 2023. Collection method: clinical testing. Allele origin: germline.

Labcorp Genetics (formerly Invitae), Labcorp
Classification: Uncertain significance for Long QT syndrome. Last evaluated: 2021-11-05. Review status: criteria provided, single submitter. Criteria: Invitae Variant Classification Sherloc (09022015). Collection method: clinical testing. Allele origin: germline.
Comment: This sequence change replaces alanine, which is neutral and non-polar, with serine, which is neutral and polar, at codon 2802 of the AKAP9 protein (p.Ala2802Ser). This variant is present in population databases (no rsID available, gnomAD 0.003%). This variant has not been reported in the literature in individuals affected with AKAP9-related conditions. Algorithms developed to predict the effect of missense changes on protein structure and function (SIFT, PolyPhen-2, Align-GVGD) all suggest that this variant is likely to be tolerated. In summary, the available evidence is currently insufficient to determine the role of this variant in disease. Therefore, it has been classified as a Variant of Uncertain Significance.